The following is an entry in ClinVar:

NM_001282426.2(PIK3CG):c.546C>T (p.Thr182=)

Gene: PIK3CG (phosphatidylinositol-4,5-bisphosphate 3-kinase catalytic subunit gamma; plus strand). Cytogenetic location: 7q22.3.
Variant type: single nucleotide variant.
Coding change: c.546C>T on transcript NM_001282426.2 (MANE Select); coding-DNA position 546, C replaced by T.
Protein change: p.Thr182=; no amino-acid change (threonine 182 retained).
Molecular consequence: synonymous variant.
Genome position (GRCh38, 1-based): chr7:106,868,107, C>T. VCF-style: chr7-106868107-C-T. GRCh37 (hg19) VCF-style: chr7-106508552-C-T.
Other names: c.546C>T, p.Thr182= (NM_002649.3, NM_001282427.2).
Identifiers: ClinVar variation 4534242 (VCV004534242.6).

ClinVar aggregate classification (germline): Likely benign (1 of 4 stars; one submission).

gnomAD v4.1: 178 of 1,613,036 alleles (0.011%); highest among the groups gnomAD compares: East Asian, 0.36%; 1 homozygote.

Submission:

CeGaT Center for Human Genetics Tuebingen
Classification: Likely benign. Last evaluated: 2025-11-01. Review status: criteria provided, single submitter. Criteria: CeGaT Center For Human Genetics Tuebingen Variant Classification Criteria Version 2. Collection method: clinical testing. Allele origin: germline. Affected: yes. Observed: 1 variant allele.
Comment: PIK3CG: BP4, BP7